The following is an entry in ClinVar:

NM_000051.4(ATM):c.1466G>T (p.Cys489Phe)

Gene: ATM (ATM serine/threonine kinase; plus strand). Cytogenetic location: 11q22.3.
Variant type: single nucleotide variant.
Coding change: c.1466G>T on transcript NM_000051.4 (MANE Select); coding-DNA position 1466, G replaced by T.
Protein change: p.Cys489Phe; replaces cysteine 489 with phenylalanine.
Molecular consequence: missense variant.
Genome position (GRCh38, 1-based): chr11:108,250,931, G>T. VCF-style: chr11-108250931-G-T. GRCh37 (hg19) VCF-style: chr11-108121658-G-T.
Other names: c.1466G>T, p.Cys489Phe (NM_001351834.2); short protein forms C489F.
Identifiers: ClinVar variation 407702 (VCV000407702.23), dbSNP rs776412334, ClinGen allele CA6264817.

ClinVar aggregate classification (germline): Conflicting classifications of pathogenicity. Review status: criteria provided, conflicting classifications (1 of 4 stars). 5 submissions from 5 submitters: Uncertain significance (4); Likely benign (1). Last evaluated 2025-08-05.

Conditions:
Hereditary cancer-predisposing syndrome. Also called: Hereditary neoplastic syndrome; Neoplastic Syndromes, Hereditary; Tumor predisposition; Hereditary Cancer Syndrome. Identifiers: Orphanet 140162, MedGen C0027672, MeSH D009386, MONDO:0015356.
Familial cancer of breast. Also called: Hereditary breast cancer; hereditary breast carcinoma; BREAST CANCER, FAMILIAL. Identifiers: Orphanet 227535, MedGen C0346153, MONDO:0016419, OMIM 114480. Disease mechanism: loss of function.
Ataxia-telangiectasia syndrome (AT). Also called: Ataxia telangiectasia (A-T); LOUIS-BAR SYNDROME; Cerebello-oculocutaneous telangiectasia; Immunodeficiency with ataxia telangiectasia; Ataxia-telangiectasia, complementation group D; AT, COMPLEMENTATION GROUP C. Identifiers: Orphanet 100, MedGen C0004135, MONDO:0008840, OMIM 208900.

Allele frequency attached by ClinVar (database versions not stated): TOPMed below 0.00001; ExAC 0.00001; gnomAD 0.00001.
gnomAD v4.1: 9 of 1,614,032 alleles (0.00056%); highest among the groups gnomAD compares: South Asian, 0.0011%; no homozygotes.

Submissions (5):

Color Diagnostics, LLC DBA Color Health
Classification: Uncertain significance for Hereditary cancer-predisposing syndrome. Last evaluated: 2025-08-05. Review status: criteria provided, single submitter. Criteria: ACMG Guidelines, 2015. Collection method: clinical testing. Allele origin: germline.
Comment: This missense variant replaces cysteine with phenylalanine at codon 489 of the ATM protein. Computational prediction tool suggests that this variant may not impact protein structure and function. To our knowledge, functional studies have not been performed for this variant. This variant has not been reported in individuals affected with hereditary cancer in the literature. This variant has been identified in 2/251298 chromosomes in the general population by the Genome Aggregation Database (gnomAD). The available evidence is insufficient to determine the role of this variant in disease conclusively. Therefore, this variant is classified as a Variant of Uncertain Significance.

Labcorp Genetics (formerly Invitae), Labcorp
Classification: Uncertain significance for Ataxia-telangiectasia syndrome. Last evaluated: 2024-11-04. Review status: criteria provided, single submitter. Criteria: Invitae Variant Classification Sherloc (09022015). Collection method: clinical testing. Allele origin: germline.
Comment: This sequence change replaces cysteine, which is neutral and slightly polar, with phenylalanine, which is neutral and non-polar, at codon 489 of the ATM protein (p.Cys489Phe). This variant is present in population databases (rs776412334, gnomAD 0.002%). This variant has not been reported in the literature in individuals affected with ATM-related conditions. ClinVar contains an entry for this variant (Variation ID: 407702). Invitae Evidence Modeling of protein sequence and biophysical properties (such as structural, functional, and spatial information, amino acid conservation, physicochemical variation, residue mobility, and thermodynamic stability) indicates that this missense variant is not expected to disrupt ATM protein function with a negative predictive value of 95%. In summary, the available evidence is currently insufficient to determine the role of this variant in disease. Therefore, it has been classified as a Variant of Uncertain Significance.

Ambry Genetics
Classification: Likely benign for Hereditary cancer-predisposing syndrome. Last evaluated: 2024-10-08. Review status: criteria provided, single submitter. Criteria: Ambry Variant Classification Scheme 2023. Collection method: clinical testing. Allele origin: germline.

Baylor Genetics
Classification: Uncertain significance for Familial cancer of breast. Last evaluated: 2023-08-15. Review status: criteria provided, single submitter. Criteria: ACMG Guidelines, 2015. Collection method: clinical testing. Allele origin: unknown.

GeneDx
Classification: Uncertain significance. Last evaluated: 2021-03-17. Review status: criteria provided, single submitter. Criteria: GeneDx Variant Classification Process June 2021. Collection method: clinical testing. Allele origin: germline. Affected: yes.
Comment: Not observed at a significant frequency in large population cohorts (Lek et al., 2016); In silico analysis supports that this missense variant does not alter protein structure/function; Has not been previously published as pathogenic or benign to our knowledge